The following is an entry in ClinVar:

ClinVar aggregate classification (germline): Uncertain significance. Review status: criteria provided, single submitter (1 of 4 stars). 2 submissions from 2 submitters: Uncertain significance (1). 1 of the submissions does not count toward it. Last evaluated 2022-04-24.

Conditions:
MCCC1-related disorder. Also called: MCCC1-related condition.
3-methylcrotonyl-CoA carboxylase 1 deficiency (MCC1D). Also called: MCCD TYPE 1; METHYLCROTONYLGLYCINURIA TYPE I; MCC 1 deficiency; 3 Alpha methylcrotonylglycinuria 1. Identifiers: Orphanet 6, MedGen CN028786, MONDO:0008861, OMIM 210200.

Allele frequency attached by ClinVar (database versions not stated): gnomAD 0.00001; gnomAD exomes 0.00001.
gnomAD v4.1: 9 of 1,614,062 alleles (0.00056%); highest among the groups gnomAD compares: South Asian, 0.0055%; no homozygotes.

Submissions (2):

Labcorp Genetics (formerly Invitae), Labcorp
Classification: Uncertain significance for 3-methylcrotonyl-CoA carboxylase 1 deficiency. Last evaluated: 2022-04-24. Review status: criteria provided, single submitter. Criteria: Invitae Variant Classification Sherloc (09022015). Collection method: clinical testing. Allele origin: germline.
Comment: This sequence change replaces glutamic acid, which is acidic and polar, with lysine, which is basic and polar, at codon 247 of the MCCC1 protein (p.Glu247Lys). This variant is not present in population databases (gnomAD no frequency). This variant has not been reported in the literature in individuals affected with MCCC1-related conditions. Algorithms developed to predict the effect of missense changes on protein structure and function (SIFT, PolyPhen-2, Align-GVGD) all suggest that this variant is likely to be disruptive. In summary, the available evidence is currently insufficient to determine the role of this variant in disease. Therefore, it has been classified as a Variant of Uncertain Significance.

PreventionGenetics, part of Exact Sciences
Classification: Uncertain significance for MCCC1-related condition. Last evaluated: 2024-09-06. Review status: no assertion criteria provided. Collection method: clinical testing. Allele origin: germline. Not counted in ClinVar's aggregate classification.
Comment: The MCCC1 c.739G>A variant is predicted to result in the amino acid substitution p.Glu247Lys. To our knowledge, this variant has not been reported in the literature or in a large population database, indicating this variant is rare. At this time, the clinical significance of this variant is uncertain due to the absence of conclusive functional and genetic evidence.

NM_020166.5(MCCC1):c.739G>A (p.Glu247Lys)

Gene: MCCC1 (methylcrotonyl-CoA carboxylase subunit 1; minus strand). Cytogenetic location: 3q27.1.
Variant type: single nucleotide variant.
Coding change: c.739G>A on transcript NM_020166.5 (MANE Select); coding-DNA position 739, G replaced by A.
Protein change: p.Glu247Lys; replaces glutamic acid 247 with lysine.
Molecular consequence: missense variant. On other transcripts: non-coding transcript variant (2).
Genome position (GRCh38, 1-based): chr3:183,071,021, C>T on the plus strand (G>A on the coding strand, the complement: MCCC1 is on the minus strand). VCF-style: chr3-183071021-C-T. GRCh37 (hg19) VCF-style: chr3-182788809-C-T.
Other names: c.388G>A, p.Glu130Lys (NM_001293273.2); c.412G>A, p.Glu138Lys (NM_001363880.1); c.739G>A (NM_020166.4); short protein forms E138K, E247K, E130K.
Identifiers: ClinVar variation 1368018 (VCV001368018.6), dbSNP rs952738286, ClinGen allele CA88716984.